The following is an entry in ClinVar:

ClinVar aggregate classification (germline): Uncertain significance (1 of 4 stars; one submission).

Conditions:
Inborn genetic diseases. Identifiers: MedGen C0950123, MeSH D030342.

gnomAD v4.1: 3 of 1,343,136 alleles (0.00022%); highest among the groups gnomAD compares: East Asian, 0.0031%; no homozygotes.

Submission:

Ambry Genetics
Classification: Uncertain significance for Inborn genetic diseases. Last evaluated: 2025-07-22. Review status: criteria provided, single submitter. Criteria: Ambry Variant Classification Scheme 2023. Collection method: clinical testing. Allele origin: germline.
Comment: The p.P52L variant (also known as c.155C>T), located in coding exon 1 of the KDM1A gene, results from a C to T substitution at nucleotide position 155. The proline at codon 52 is replaced by leucine, an amino acid with similar properties. This amino acid position is conserved. In addition, this alteration is predicted to be tolerated by in silico analysis. Based on the available evidence, the clinical significance of this variant remains unclear.

NM_001009999.3(KDM1A):c.155C>T (p.Pro52Leu)

Gene: KDM1A (lysine demethylase 1A; plus strand). Cytogenetic location: 1p36.12.
Variant type: single nucleotide variant.
Coding change: c.155C>T on transcript NM_001009999.3 (MANE Select); coding-DNA position 155, C replaced by T.
Protein change: p.Pro52Leu; replaces proline 52 with leucine.
Molecular consequence: missense variant.
Genome position (GRCh38, 1-based): chr1:23,019,751, C>T. VCF-style: chr1-23019751-C-T. GRCh37 (hg19) VCF-style: chr1-23346244-C-T.
Other names: c.155C>T, p.Pro52Leu (NM_001363654.2, NM_001410762.1, NM_001410763.1 and 1 more transcripts); short protein forms P52L.
Identifiers: ClinVar variation 4091071 (VCV004091071.1).